The following is an entry in ClinVar:

ClinVar aggregate classification (germline): Likely pathogenic (1 of 4 stars; one submission).

Conditions:
Solitary median maxillary central incisor syndrome. Also called: FUSED INCISORS; SINGLE CENTRAL MAXILLARY INCISOR; Solitary median maxillary central incisor; SMMCI SYNDROME; Single Central Incisor Syndrome. Identifiers: MedGen C1840235, MONDO:0007819, OMIM 147250, HP:0006315.

Submission:

Laboratory of Molecular Genetics, CHU Rennes
Classification: Likely pathogenic for Solitary median maxillary central incisor syndrome. Last evaluated: 2025-02-27. Review status: criteria provided, single submitter. Criteria: ACMG Guidelines, 2015. Collection method: clinical testing. Allele origin: maternal. Inheritance: Oligogenic inheritance. Affected: yes.
Comment: The NM_000193.4:c.154G>A, is a missense variant in SHH in the Hedgehog domain (PM1), absent from controls (PM2), predicted pathogenic by prediction tools (PP3).

NM_000193.4(SHH):c.154G>A (p.Ala52Thr)

Gene: SHH (sonic hedgehog signaling molecule; minus strand). Cytogenetic location: 7q36.3.
Variant type: single nucleotide variant.
Coding change: c.154G>A on transcript NM_000193.4 (MANE Select); coding-DNA position 154, G replaced by A.
Protein change: p.Ala52Thr; replaces alanine 52 with threonine.
Molecular consequence: missense variant.
Genome position (GRCh38, 1-based): chr7:155,811,969, C>T on the plus strand (G>A on the coding strand, the complement: SHH is on the minus strand). VCF-style: chr7-155811969-C-T. GRCh37 (hg19) VCF-style: chr7-155604663-C-T.
Other names: short protein forms A52T.
Identifiers: ClinVar variation 3775125 (VCV003775125.1).